The following is an entry in ClinVar:

ClinVar aggregate classification (germline): Likely pathogenic (1 of 4 stars; one submission).

Conditions:
Joubert syndrome. Also called: JOUBERT-BOLTSHAUSER SYNDROME; Familial aplasia of the vermis. Identifiers: Orphanet 475, MedGen C5979921, MONDO:0018772.
Meckel-Gruber syndrome. Also called: DYSENCEPHALIA SPLANCHNOCYSTICA; GRUBER SYNDROME; Dysencephalia splachnocystica. Identifiers: Orphanet 564, MedGen C0265215, MONDO:0018921.

Allele frequency attached by ClinVar (database versions not stated): gnomAD exomes below 0.00001.
gnomAD v4.1: 2 of 1,581,498 alleles (0.00013%); highest among the groups gnomAD compares: East Asian, 0.0023%; no homozygotes.

Submission:

Labcorp Genetics (formerly Invitae), Labcorp
Classification: Likely pathogenic for Joubert syndrome; Meckel-Gruber syndrome. Last evaluated: 2023-12-26. Review status: criteria provided, single submitter. Criteria: Invitae Variant Classification Sherloc (09022015). Collection method: clinical testing. Allele origin: germline.
Comment: This sequence change affects a donor splice site in intron 19 of the CC2D2A gene. It is expected to disrupt RNA splicing. Variants that disrupt the donor or acceptor splice site typically lead to a loss of protein function (PMID: 16199547), and loss-of-function variants in CC2D2A are known to be pathogenic (PMID: 19777577). This variant is not present in population databases (gnomAD no frequency). This variant has not been reported in the literature in individuals affected with CC2D2A-related conditions. Algorithms developed to predict the effect of sequence changes on RNA splicing suggest that this variant may disrupt the consensus splice site. In summary, the currently available evidence indicates that the variant is pathogenic, but additional data are needed to prove that conclusively. Therefore, this variant has been classified as Likely Pathogenic.

Literature cited by the submitters: PubMed 16199547; PubMed 19777577.

NM_001378615.1(CC2D2A):c.2338+2T>C

Genes: FBXL5 (F-box and leucine rich repeat protein 5; minus strand), CC2D2A (coiled-coil and C2 domain containing 2A; plus strand). Cytogenetic location: 4p15.32.
Variant type: single nucleotide variant.
Coding change: c.2338+2T>C on transcript NM_001378615.1 (MANE Select); the canonical splice donor site of the intron after coding-DNA position 2338, T replaced by C.
Molecular consequence: splice donor variant.
Genome position (GRCh38, 1-based): chr4:15,550,982, T>C. VCF-style: chr4-15550982-T-C. GRCh37 (hg19) VCF-style: chr4-15552605-T-C.
Other names: c.2338+2T>C (NM_001080522.2); c.2191+2T>C (NM_001378617.1).
Identifiers: ClinVar variation 2921594 (VCV002921594.3), dbSNP rs2475019890, ClinGen allele CA356417603.